The following is an entry in ClinVar:

NM_014319.5(LEMD3):c.1700del (p.Asp566_Leu567insTer)

Gene: LEMD3 (LEM domain containing 3; plus strand). Cytogenetic location: 12q14.3.
Variant type: Deletion.
Coding change: c.1700del on transcript NM_014319.5 (MANE Select); coding-DNA position 1700, one base deleted (T; older notation c.1700delT).
Protein change: p.Asp566_Leu567insTer.
Molecular consequence: nonsense.
Genome position (GRCh38, 1-based): chr12:65,238,506, T deleted; the last of 3 consecutive T bases (chr12:65,238,504-65,238,506); deleting any one gives the same sequence. VCF-style (leftmost placement, unchanged base first): chr12-65238503-AT-A. GRCh37 (hg19) VCF-style: chr12-65632283-AT-A.
Other names: c.1697del, p.Asp565_Leu566insTer (NM_001167614.2).
Identifiers: ClinVar variation 931797 (VCV000931797.3), dbSNP rs1870837900, ClinGen allele CA1139662773.

ClinVar aggregate classification (germline): Pathogenic (1 of 4 stars; one submission).

Conditions:
Dermatofibrosis lenticularis disseminata (BOS). Also called: DERMATOFIBROSIS LENTICULARIS DISSEMINATA WITH OSTEOPOIKILOSIS; DERMATOOSTEOPOIKILOSIS; OSTEOPATHIA CONDENSANS DISSEMINATA. Identifiers: Orphanet 1306, MedGen C0265514, MONDO:0008157, OMIM 166700.

Submission:

Centre for Mendelian Genomics, University Medical Centre Ljubljana
Classification: Pathogenic for Dermatofibrosis lenticularis disseminata. Last evaluated: 2019-09-09. Review status: criteria provided, single submitter. Criteria: ACMG Guidelines, 2015. Collection method: clinical testing. Allele origin: unknown. Affected: yes.
Comment: This variant was classified as: Pathogenic. The following ACMG criteria were applied in classifying this variant: PVS1,PM2,PP4.